The following is an entry in ClinVar:

NM_000124.4(ERCC6):c.3745G>A (p.Asp1249Asn)

Gene: ERCC6 (ERCC excision repair 6, chromatin remodeling factor; minus strand). Cytogenetic location: 10q11.23.
Variant type: single nucleotide variant.
Coding change: c.3745G>A on transcript NM_000124.4 (MANE Select); coding-DNA position 3745, G replaced by A.
Protein change: p.Asp1249Asn; replaces aspartic acid 1249 with asparagine.
Molecular consequence: missense variant.
Genome position (GRCh38, 1-based): chr10:49,470,215, C>T on the plus strand (G>A on the coding strand, the complement: ERCC6 is on the minus strand). VCF-style: chr10-49470215-C-T. GRCh37 (hg19) VCF-style: chr10-50678261-C-T.
Other names: c.3745G>A, p.Asp1249Asn (NM_001346440.2); short protein forms D1249N.
Identifiers: ClinVar variation 287357 (VCV000287357.21), dbSNP rs114234514, ClinGen allele CA5495284.

ClinVar aggregate classification (germline): Conflicting classifications of pathogenicity. Review status: criteria provided, conflicting classifications (1 of 4 stars). 5 submissions from 5 submitters: Uncertain significance (1); Benign (2); Likely benign (1). 1 of the submissions does not count toward it. Last evaluated 2026-01-28.

Conditions:
ERCC6-related disorder. Also called: ERCC6-related condition; ERCC6-related disorders. Identifiers: MedGen CN239385.

Allele frequency attached by ClinVar (database versions not stated): gnomAD exomes 0.00020 and 0.00054; ExAC 0.00071; ESP Exome Variant Server 0.00200; 1000 Genomes Project 30x 0.00203; TOPMed 0.00216; gnomAD 0.00218 and 0.00234; 1000 Genomes Project 0.00240.
gnomAD v4.1: 638 of 1,614,126 alleles (0.04%); highest among the groups gnomAD compares: African/African-American, 0.76%; 5 homozygotes.

Submissions (5):

Labcorp Genetics (formerly Invitae), Labcorp
Classification: Benign. Last evaluated: 2026-01-28. Review status: criteria provided, single submitter. Criteria: Invitae Variant Classification Sherloc (09022015). Collection method: clinical testing. Allele origin: germline.

Blueprint Genetics
Classification: Likely benign. Last evaluated: 2024-09-11. Review status: criteria provided, single submitter. Criteria: ACMG Guidelines, 2015. Collection method: clinical testing. Allele origin: germline.

GeneDx
Classification: Uncertain significance. Last evaluated: 2022-02-06. Review status: criteria provided, single submitter. Criteria: GeneDx Variant Classification Process June 2021. Collection method: clinical testing. Allele origin: germline. Affected: yes.
Comment: In silico analysis supports that this missense variant has a deleterious effect on protein structure/function; Has not been previously published as pathogenic or benign to our knowledge

Eurofins Ntd Llc (ga)
Classification: Benign. Last evaluated: 2016-04-14. Review status: criteria provided, single submitter. Criteria: EGL Classification Definitions 2015. Collection method: clinical testing. Allele origin: germline. Observed: 1 variant allele, 1 heterozygote.

PreventionGenetics, part of Exact Sciences
Classification: Benign for ERCC6-related condition. Last evaluated: 2019-06-17. Review status: no assertion criteria provided. Collection method: clinical testing. Allele origin: germline. Not counted in ClinVar's aggregate classification.
Comment: This variant is classified as benign based on ACMG/AMP sequence variant interpretation guidelines (Richards et al. 2015 PMID: 25741868, with internal and published modifications).